The following is an entry in ClinVar:

NM_000213.5(ITGB4):c.5308G>A (p.Ala1770Thr)

Genes: GALK1 (galactokinase 1; minus strand), ITGB4 (integrin subunit beta 4; plus strand). Cytogenetic location: 17q25.1.
Variant type: single nucleotide variant.
Coding change: c.5308G>A on transcript NM_000213.5 (MANE Select); coding-DNA position 5308, G replaced by A.
Protein change: p.Ala1770Thr; replaces alanine 1770 with threonine.
Molecular consequence: missense variant. On other transcripts: intron variant (1).
Genome position (GRCh38, 1-based): chr17:75,757,289, G>A. VCF-style: chr17-75757289-G-A. GRCh37 (hg19) VCF-style: chr17-73753370-G-A.
Other names: c.5257G>A, p.Ala1753Thr (NM_001005619.2); c.5098G>A, p.Ala1700Thr (NM_001005731.3, NM_001321123.2); c.4948G>A, p.Ala1650Thr (NM_001438834.1); c.*22+745C>T (NM_001381985.1); short protein forms A1753T, A1770T, A1700T, A1650T.
Identifiers: ClinVar variation 1900469 (VCV001900469.2), dbSNP rs748012106, ClinGen allele CA8770547.

ClinVar aggregate classification (germline): Uncertain significance (1 of 4 stars; one submission).

Allele frequency attached by ClinVar (database versions not stated): ExAC 0.00001; gnomAD 0.00006; gnomAD exomes 0.00002; TOPMed 0.00002.
gnomAD v4.1: 37 of 1,611,558 alleles (0.0023%); highest among the groups gnomAD compares: Middle Eastern, 0.016%; no homozygotes.

Submission:

Labcorp Genetics (formerly Invitae), Labcorp
Classification: Uncertain significance. Last evaluated: 2022-02-28. Review status: criteria provided, single submitter. Criteria: Invitae Variant Classification Sherloc (09022015). Collection method: clinical testing. Allele origin: germline.
Comment: This sequence change replaces alanine, which is neutral and non-polar, with threonine, which is neutral and polar, at codon 1700 of the ITGB4 protein (p.Ala1700Thr). This variant is present in population databases (rs748012106, gnomAD 0.005%). This variant has not been reported in the literature in individuals affected with ITGB4-related conditions. Algorithms developed to predict the effect of missense changes on protein structure and function output the following: SIFT: "Not Available"; PolyPhen-2: "Benign"; Align-GVGD: "Not Available". The threonine amino acid residue is found in multiple mammalian species, which suggests that this missense change does not adversely affect protein function. In summary, the available evidence is currently insufficient to determine the role of this variant in disease. Therefore, it has been classified as a Variant of Uncertain Significance.